The following is an entry in ClinVar:

NM_006015.6(ARID1A):c.392G>C (p.Gly131Ala)

Gene: ARID1A (AT-rich interaction domain 1A; plus strand). Cytogenetic location: 1p36.11.
Variant type: single nucleotide variant.
Coding change: c.392G>C on transcript NM_006015.6 (MANE Select); coding-DNA position 392, G replaced by C.
Protein change: p.Gly131Ala; replaces glycine 131 with alanine.
Molecular consequence: missense variant.
Genome position (GRCh38, 1-based): chr1:26,696,795, G>C. VCF-style: chr1-26696795-G-C. GRCh37 (hg19) VCF-style: chr1-27023286-G-C.
Other names: c.392G>C, p.Gly131Ala (NM_139135.4); short protein forms G131A.
Identifiers: ClinVar variation 3703608 (VCV003703608.3).
Genomic context (GRCh38, chr1:26,696,795, plus strand): 5'-CCGCCCTGAACAATAACCTCACGGAGCCGCCCGGCGGCGGCGGTGGCGGCAGCAGCGATG[G>C]GGTGGGGGCGCCTCCTCACTCAGCCGCGGCCGCCTTGCCGCCCCCAGCCTACGGCTTCGG-3'
Protein context (NP_006006.3, residues 121-141): PGGGGGGSSD[Gly131Ala]VGAPPHSAAA

ClinVar aggregate classification (germline): Uncertain significance. Review status: criteria provided, multiple submitters, no conflicts (2 of 4 stars). 2 submissions from 2 submitters: Uncertain significance (2). Last evaluated 2025-04-09.

gnomAD v4.1: 2 of 1,339,190 alleles (0.00015%); highest among the groups gnomAD compares: Admixed American, 0.0041%; no homozygotes.

Submissions (2):

Labcorp Genetics (formerly Invitae), Labcorp
Classification: Uncertain significance. Last evaluated: 2025-04-09. Review status: criteria provided, single submitter. Criteria: Invitae Variant Classification Sherloc (09022015). Collection method: clinical testing. Allele origin: germline.
Comment: This sequence change replaces glycine, which is neutral and non-polar, with alanine, which is neutral and non-polar, at codon 131 of the ARID1A protein (p.Gly131Ala). This variant is not present in population databases (gnomAD no frequency). This variant has not been reported in the literature in individuals affected with ARID1A-related conditions. ClinVar contains an entry for this variant (Variation ID: 3703608). Invitae Evidence Modeling of protein sequence and biophysical properties (such as structural, functional, and spatial information, amino acid conservation, physicochemical variation, residue mobility, and thermodynamic stability) indicates that this missense variant is not expected to disrupt ARID1A protein function with a negative predictive value of 95%. In summary, the available evidence is currently insufficient to determine the role of this variant in disease. Therefore, it has been classified as a Variant of Uncertain Significance.

Women's Health and Genetics/Laboratory Corporation of America, LabCorp
Classification: Uncertain significance. Last evaluated: 2024-12-20. Review status: criteria provided, single submitter. Criteria: LabCorp Variant Classification Summary - May 2015. Collection method: clinical testing. Allele origin: germline.
Comment: Variant summary: ARID1A c.392G>C (p.Gly131Ala) results in a non-conservative amino acid change in the encoded protein sequence. Three of five in-silico tools predict a benign effect of the variant on protein function. The variant was absent in 5942 control chromosomes. The available data on variant occurrences in the general population are insufficient to allow any conclusion about variant significance. To our knowledge, no occurrence of c.392G>C in individuals affected with Mental Retardation, Autosomal Dominant 14 and no experimental evidence demonstrating its impact on protein function have been reported. No submitters have cited clinical-significance assessments for this variant to ClinVar. Based on the evidence outlined above, the variant was classified as uncertain significance.